The following is an entry in ClinVar:

ClinVar aggregate classification (germline): Conflicting classifications of pathogenicity. Review status: criteria provided, conflicting classifications (1 of 4 stars). 2 submissions from 2 submitters: Uncertain significance (1); Likely benign (1). Last evaluated 2023-03-23.

Conditions:
Hereditary breast ovarian cancer syndrome. Also called: Hereditary breast and ovarian cancer; Hereditary breast and/or ovarian cancer syndrome; Hereditary breast and ovarian cancer syndrome; Hereditary breast and ovarian cancer syndrome (HBOC); Breast and ovarian cancer; BRCA1- and BRCA2-Associated Hereditary Breast and Ovarian Cancer. Identifiers: Orphanet 145, MedGen C0677776, MeSH D061325, MONDO:0003582. Disease mechanism: loss of function.
Hereditary cancer-predisposing syndrome. Also called: Tumor predisposition; Hereditary neoplastic syndrome; Neoplastic Syndromes, Hereditary; Hereditary Cancer Syndrome. Identifiers: Orphanet 140162, MedGen C0027672, MeSH D009386, MONDO:0015356.

Submissions (2):

University of Washington Department of Laboratory Medicine, University of Washington
Classification: Likely benign for Hereditary cancer-predisposing syndrome. Last evaluated: 2023-03-23. Review status: criteria provided, single submitter. Criteria: Dines et al. (Genet Med. 2020). Collection method: curation. Allele origin: germline.
Comment: Missense variant in a coldspot region where missense variants are very unlikely to be pathogenic (PMID:31911673).

BRCA1 coldspot (exon 11 using historical exon numbering). Reclassification based on statistical prior probability

Labcorp Genetics (formerly Invitae), Labcorp
Classification: Uncertain significance for Hereditary breast ovarian cancer syndrome. Last evaluated: 2021-12-30. Review status: criteria provided, single submitter. Criteria: Invitae Variant Classification Sherloc (09022015). Collection method: clinical testing. Allele origin: germline.
Comment: In summary, the available evidence is currently insufficient to determine the role of this variant in disease. Therefore, it has been classified as a Variant of Uncertain Significance. Advanced modeling of protein sequence and biophysical properties (such as structural, functional, and spatial information, amino acid conservation, physicochemical variation, residue mobility, and thermodynamic stability) performed at Invitae indicates that this missense variant is not expected to disrupt BRCA1 protein function. This variant has not been reported in the literature in individuals affected with BRCA1-related conditions. This variant is not present in population databases (gnomAD no frequency). This sequence change replaces lysine, which is basic and polar, with arginine, which is basic and polar, at codon 935 of the BRCA1 protein (p.Lys935Arg).

NM_007294.4(BRCA1):c.2804A>G (p.Lys935Arg)

Gene: BRCA1 (BRCA1 DNA repair associated; minus strand). Cytogenetic location: 17q21.31.
Variant type: single nucleotide variant.
Coding change: c.2804A>G on transcript NM_007294.4 (MANE Select); coding-DNA position 2804, A replaced by G.
Protein change: p.Lys935Arg; replaces lysine 935 with arginine.
Molecular consequence: missense variant. On other transcripts: intron variant (137).
Genome position (GRCh38, 1-based): chr17:43,092,727, T>C on the plus strand (A>G on the coding strand, the complement: BRCA1 is on the minus strand). VCF-style: chr17-43092727-T-C. GRCh37 (hg19) VCF-style: chr17-41244744-T-C.
Other names: c.2591A>G, p.Lys864Arg (NM_001407915.1, NM_001407916.1, NM_001407917.1 and 9 more transcripts); c.2681A>G, p.Lys894Arg (NM_001407919.1, NM_001407937.1, NM_001407938.1 and 19 more transcripts); c.2540A>G, p.Lys847Arg (NM_001407920.1, NM_001407921.1, NM_001407922.1 and 9 more transcripts); c.2660A>G, p.Lys887Arg (NM_001407847.1, NM_001407848.1, NM_001407838.1 and 20 more transcripts); c.2663A>G, p.Lys888Arg (NM_001407750.1, NM_001407751.1, NM_001407752.1 and 29 more transcripts); c.2471A>G, p.Lys824Arg (NM_001407947.1, NM_001407948.1, NM_001407949.1 and 6 more transcripts); c.2537A>G, p.Lys846Arg (NM_001407934.1, NM_001407936.1, NM_001407931.1 and 2 more transcripts); c.2678A>G, p.Lys893Arg (NM_001407940.1, NM_001407941.1, NM_001407649.1 and 11 more transcripts); and 41 more; short protein forms K824R, K847R, K868R, K887R, K934R, K807R, K864R, K888R.
Identifiers: ClinVar variation 2066045 (VCV002066045.6), dbSNP rs2154358704, ClinGen allele CA10596388.